The following is an entry in ClinVar:

ClinVar aggregate classification (germline): Uncertain significance. Review status: criteria provided, multiple submitters, no conflicts (2 of 4 stars). 3 submissions from 3 submitters: Uncertain significance (3). Last evaluated 2025-01-20.

Conditions:
Inborn genetic diseases. Identifiers: MedGen C0950123, MeSH D030342.

Allele frequency attached by ClinVar (database versions not stated): ExAC 0.00016; 1000 Genomes Project 30x 0.00031; TOPMed 0.00009; gnomAD exomes 0.00019; 1000 Genomes Project 0.00020; gnomAD 0.00009; ESP Exome Variant Server 0.00023.
gnomAD v4.1: 288 of 1,577,870 alleles (0.018%); highest among the groups gnomAD compares: Non-Finnish European, 0.023%; no homozygotes.

Submissions (3):

Ambry Genetics
Classification: Uncertain significance for Inborn genetic diseases. Last evaluated: 2025-01-20. Review status: criteria provided, single submitter. Criteria: Ambry Variant Classification Scheme 2023. Collection method: clinical testing. Allele origin: germline.

GeneDx
Classification: Uncertain significance. Last evaluated: 2024-05-09. Review status: criteria provided, single submitter. Criteria: GeneDx Variant Classification Process June 2021. Collection method: clinical testing. Allele origin: germline. Affected: yes.
Comment: Not observed at significant frequency in large population cohorts (gnomAD); In silico analysis indicates that this missense variant does not alter protein structure/function; Has not been previously published as pathogenic or benign to our knowledge

Labcorp Genetics (formerly Invitae), Labcorp
Classification: Uncertain significance. Last evaluated: 2022-06-27. Review status: criteria provided, single submitter. Criteria: Invitae Variant Classification Sherloc (09022015). Collection method: clinical testing. Allele origin: germline.
Comment: Algorithms developed to predict the effect of missense changes on protein structure and function output the following: SIFT: "Tolerated"; PolyPhen-2: "Benign"; Align-GVGD: "Class C0". The glycine amino acid residue is found in multiple mammalian species, which suggests that this missense change does not adversely affect protein function. This sequence change replaces arginine, which is basic and polar, with glycine, which is neutral and non-polar, at codon 35 of the SLC25A26 protein (p.Arg35Gly). This variant is present in population databases (rs139071338, gnomAD 0.01%). This variant has not been reported in the literature in individuals affected with SLC25A26-related conditions. Algorithms developed to predict the effect of sequence changes on RNA splicing suggest that this variant may create or strengthen a splice site. In summary, the available evidence is currently insufficient to determine the role of this variant in disease. Therefore, it has been classified as a Variant of Uncertain Significance.

NM_001379210.1(SLC25A26):c.367A>G (p.Arg123Gly)

Gene: SLC25A26 (solute carrier family 25 member 26; plus strand). Cytogenetic location: 3p14.1.
Variant type: single nucleotide variant.
Coding change: c.367A>G on transcript NM_001379210.1 (MANE Select); coding-DNA position 367, A replaced by G.
Protein change: p.Arg123Gly; replaces arginine 123 with glycine.
Molecular consequence: missense variant. On other transcripts: non-coding transcript variant (15).
Genome position (GRCh38, 1-based): chr3:66,262,117, A>G. VCF-style: chr3-66262117-A-G. GRCh37 (hg19) VCF-style: chr3-66312541-A-G.
Other names: c.367A>G, p.Arg123Gly (NM_001009937.1, NM_001400705.1, NM_001400707.1 and 1 more transcripts); c.103A>G, p.Arg35Gly (NM_001164796.1, NM_001350993.1, NM_001400709.1 and 2 more transcripts); short protein forms R123G, R35G.
Identifiers: ClinVar variation 2049218 (VCV002049218.7), dbSNP rs139071338, ClinGen allele CA2483680.